The following is an entry in ClinVar:

ClinVar aggregate classification (germline): Uncertain significance (1 of 4 stars; one submission).

Conditions:
Hereditary cancer-predisposing syndrome. Also called: Neoplastic Syndromes, Hereditary; Tumor predisposition; Hereditary Cancer Syndrome; Hereditary neoplastic syndrome. Identifiers: Orphanet 140162, MedGen C0027672, MeSH D009386, MONDO:0015356.

Allele frequency attached by ClinVar (database versions not stated): gnomAD exomes below 0.00001.
gnomAD v4.1: 1 of 1,614,050 alleles (0.000062%); highest among the groups gnomAD compares: Admixed American, 0.0017%; no homozygotes.

Submission:

Ambry Genetics
Classification: Uncertain significance for Hereditary cancer-predisposing syndrome. Last evaluated: 2021-01-14. Review status: criteria provided, single submitter. Criteria: Ambry Variant Classification Scheme 2023. Collection method: clinical testing. Allele origin: germline.
Comment: The p.H59D variant (also known as c.175C>G), located in coding exon 2 of the CTNNA1 gene, results from a C to G substitution at nucleotide position 175. The histidine at codon 59 is replaced by aspartic acid, an amino acid with similar properties. This amino acid position is highly conserved in available vertebrate species. In addition, this alteration is predicted to be deleterious by in silico analysis. Since supporting evidence is limited at this time, the clinical significance of this alteration remains unclear.

NM_001903.5(CTNNA1):c.175C>G (p.His59Asp)

Gene: CTNNA1 (catenin alpha 1; plus strand). Cytogenetic location: 5q31.2.
Variant type: single nucleotide variant.
Coding change: c.175C>G on transcript NM_001903.5 (MANE Select); coding-DNA position 175, C replaced by G.
Protein change: p.His59Asp; replaces histidine 59 with aspartic acid.
Molecular consequence: missense variant. On other transcripts: 5 prime UTR variant (1), intron variant (1).
Genome position (GRCh38, 1-based): chr5:138,783,246, C>G. VCF-style: chr5-138783246-C-G. GRCh37 (hg19) VCF-style: chr5-138118935-C-G.
Other names: c.175C>G, p.His59Asp (NM_001290307.3, NM_001323982.2, NM_001323983.1 and 3 more transcripts); c.-32C>G (NM_001290310.3); c.-9+1217C>G (NM_001290309.3); short protein forms H59D.
Identifiers: ClinVar variation 1779545 (VCV001779545.2), dbSNP rs2532178444, ClinGen allele CA361477407.